The following is an entry in ClinVar:

ClinVar aggregate classification (germline): Likely benign. Review status: criteria provided, single submitter (1 of 4 stars). 2 submissions from 2 submitters: Likely benign (1). 1 of the submissions does not count toward it. Last evaluated 2024-11-26.

Conditions:
CR1-related disorder. Also called: CR1-related condition.

Allele frequency attached by ClinVar (database versions not stated): 1000 Genomes Project 0.01258; 1000 Genomes Project 30x 0.01265; ESP Exome Variant Server 0.01695.
gnomAD v4.1: 37,746 of 1,613,888 alleles (2.3%); highest among the groups gnomAD compares: Non-Finnish European, 2.7%; 542 homozygotes.

Submissions (2):

Blueprint Genetics
Classification: Likely benign. Last evaluated: 2024-11-26. Review status: criteria provided, single submitter. Criteria: ACMG Guidelines, 2015. Collection method: clinical testing. Allele origin: germline.

PreventionGenetics, part of Exact Sciences
Classification: Benign for CR1-related condition. Last evaluated: 2019-09-24. Review status: no assertion criteria provided. Collection method: clinical testing. Allele origin: germline. Not counted in ClinVar's aggregate classification.
Comment: This variant is classified as benign based on ACMG/AMP sequence variant interpretation guidelines (Richards et al. 2015 PMID: 25741868, with internal and published modifications).

NM_000651.6(CR1):c.5572A>G (p.Thr1858Ala)

Gene: CR1 (complement C3b/C4b receptor 1 (Knops blood group); plus strand). Cytogenetic location: 1q32.2.
Variant type: single nucleotide variant.
Coding change: c.5572A>G on transcript NM_000651.6 (MANE Select); coding-DNA position 5572, A replaced by G.
Protein change: p.Thr1858Ala; replaces threonine 1858 with alanine.
Molecular consequence: missense variant.
Genome position (GRCh38, 1-based): chr1:207,587,427, A>G. VCF-style: chr1-207587427-A-G. GRCh37 (hg19) VCF-style: chr1-207760772-A-G.
Other names: c.4222A>G, p.Thr1408Ala (NM_000573.4, NM_001381851.1); short protein forms T1408A, T1858A.
Identifiers: ClinVar variation 3038909 (VCV003038909.3), dbSNP rs61734514, ClinGen allele CA1370207.